The following is an entry in ClinVar:

ClinVar aggregate classification (germline): Likely benign (0 of 4 stars; one submission).

Conditions:
NCAPD3-related disorder. Also called: NCAPD3-related condition.

Allele frequency attached by ClinVar (database versions not stated): gnomAD exomes 0.00001; ExAC 0.00002.
gnomAD v4.1: 13 of 1,567,274 alleles (0.00083%); highest among the groups gnomAD compares: Admixed American, 0.0017%; no homozygotes.

Submission:

PreventionGenetics, part of Exact Sciences
Classification: Likely benign for NCAPD3-related condition. Last evaluated: 2022-02-07. Review status: no assertion criteria provided. Collection method: clinical testing. Allele origin: germline.
Comment: This variant is classified as likely benign based on ACMG/AMP sequence variant interpretation guidelines (Richards et al. 2015 PMID: 25741868, with internal and published modifications).

NM_015261.3(NCAPD3):c.1525+6G>C

Gene: NCAPD3 (non-SMC condensin II complex subunit D3; minus strand). Cytogenetic location: 11q25.
Variant type: single nucleotide variant.
Coding change: c.1525+6G>C on transcript NM_015261.3 (MANE Select); 6 bases into the intron after coding-DNA position 1525, G replaced by C.
Molecular consequence: intron variant.
Genome position (GRCh38, 1-based): chr11:134,203,136, C>G on the plus strand (G>C on the coding strand, the complement: NCAPD3 is on the minus strand). VCF-style: chr11-134203136-C-G. GRCh37 (hg19) VCF-style: chr11-134073031-C-G.
Other names: c.1111+6G>C (NM_001372070.1, NM_001372069.1); c.1525+6G>C (NM_001372065.1, NM_001372068.1).
Identifiers: ClinVar variation 3047305 (VCV003047305.2), dbSNP rs754763510, ClinGen allele CA6371644.